The following is an entry in ClinVar:

ClinVar aggregate classification (germline): Pathogenic (1 of 4 stars; one submission).

Conditions:
Developmental and epileptic encephalopathy. Identifiers: MedGen C5779964, MONDO:0100620.

Submission:

Labcorp Genetics (formerly Invitae), Labcorp
Classification: Pathogenic for Early-infantile DEE. Last evaluated: 2022-10-21. Review status: criteria provided, single submitter. Criteria: Invitae Variant Classification Sherloc (09022015). Collection method: clinical testing. Allele origin: germline.
Comment: This variant is a gross deletion of the genomic region encompassing exon(s) 1 of the KCNQ2 gene, which includes the initiator codon. This deletion extends beyond the assayed region for this gene and therefore may encompass additional genes. It is expected to result in an absent or disrupted protein product. Loss-of-function variants in KCNQ2 are known to be pathogenic (PMID: 14534157, 23692823, 27779742). A similar copy number variant has been observed in individual(s) with benign familial neonatal seizures (PMID: 23360469). For these reasons, this variant has been classified as Pathogenic.

Literature cited by the submitters: PubMed 14534157; PubMed 23692823; PubMed 27779742; PubMed 23360469.

NC_000020.11:g.(?_63472148)_(63528152_?)del

Genes: PPDPF (pancreatic progenitor cell differentiation and proliferation factor; plus strand), PTK6 (protein tyrosine kinase 6; minus strand), EEF1A2 (eukaryotic translation elongation factor 1 alpha 2; minus strand), KCNQ2 (potassium voltage-gated channel subfamily Q member 2; minus strand), LOC132090595 (Neanderthal introgressed variant-containing enhancer experimental_60987; plus strand) and 3 more. Cytogenetic location: 20q13.33.
Variant type: Deletion.
Identifiers: ClinVar variation 642634 (VCV000642634.4).